The following is an entry in ClinVar:

ClinVar aggregate classification (germline): Uncertain significance (1 of 4 stars; one submission).

Conditions:
Dilated cardiomyopathy 1O (CMD1O). Also called: CARDIOMYOPATHY, DILATED, WITH VENTRICULAR TACHYCARDIA. Identifiers: Orphanet 154, MedGen C1837839, MONDO:0012062, OMIM 608569.

Allele frequency attached by ClinVar (database versions not stated): gnomAD exomes 0.00001.
gnomAD v4.1: 11 of 1,611,824 alleles (0.00068%); highest among the groups gnomAD compares: Non-Finnish European, 0.00093%; no homozygotes.

Submission:

Labcorp Genetics (formerly Invitae), Labcorp
Classification: Uncertain significance for Dilated cardiomyopathy 1O. Last evaluated: 2016-03-11. Review status: criteria provided, single submitter. Criteria: Invitae Variant Classification Sherloc (09022015). Collection method: clinical testing. Allele origin: germline.
Comment: This sequence change affects an acceptor splice site in intron 6 of ABCC9. It is expected to disrupt mRNA splicing and likely results in an absent or disrupted protein product. This variant is not present in population databases (ExAC no frequency) and has not been reported in the literature in individuals with a ABCC9-related disease. Although donor and acceptor splice site variants are typically truncating (PMID: 16199547), these are not necessarily pathogenic in the ABCC9 gene, for which a loss of function mechanism of disease has not been established. In the absence of further supportive evidence, this variant has been classified as a Variant of Uncertain Significance.

Literature cited by the submitters: PubMed 16199547.

NM_020297.4(ABCC9):c.1012-1G>C

Gene: ABCC9 (ATP binding cassette subfamily C member 9; minus strand). Cytogenetic location: 12p12.1.
Variant type: single nucleotide variant.
Coding change: c.1012-1G>C on transcript NM_020297.4 (MANE Select); the canonical splice acceptor site of the intron before coding-DNA position 1012, G replaced by C.
Molecular consequence: splice acceptor variant.
Genome position (GRCh38, 1-based): chr12:21,910,979, C>G on the plus strand (G>C on the coding strand, the complement: ABCC9 is on the minus strand). VCF-style: chr12-21910979-C-G. GRCh37 (hg19) VCF-style: chr12-22063913-C-G.
Other names: c.148-1G>C (NM_001377274.1); c.1012-1G>C (NM_005691.4, NM_001377273.1).
Identifiers: ClinVar variation 240200 (VCV000240200.7), dbSNP rs878854781, ClinGen allele CA10583042.